The following is an entry in ClinVar:

ClinVar aggregate classification (germline): Likely pathogenic (1 of 4 stars; one submission).

Allele frequency attached by ClinVar (database versions not stated): gnomAD exomes below 0.00001; ExAC 0.00001.
gnomAD v4.1: 2 of 1,610,120 alleles (0.00012%); highest among the groups gnomAD compares: Non-Finnish European, 0.00017%; no homozygotes.

Submission:

GeneDx
Classification: Likely pathogenic. Last evaluated: 2017-06-08. Review status: criteria provided, single submitter. Criteria: GeneDx Variant Classification (06012015). Collection method: clinical testing. Allele origin: germline. Affected: yes.
Comment: The c.202+1G>A variant in the EYA1 gene has not been reported previously as a pathogenic variant nor as a benign variant, to our knowledge. This splice site variant destroys the canonical splice donor site in intron 4. It is predicted to cause abnormal gene splicing, either leading to an abnormal message that is subject to nonsense-mediated mRNA decay, or to an abnormal protein product if the message is used for protein translation. The c.202+1G>A variant is not observed at a significant frequency in large population cohorts (Lek et al., 2016; 1000 Genomes Consortium et al., 2015; Exome Variant Server). We interpret c.202+1G>A as a likely pathogenic variant.

NM_000503.6(EYA1):c.202+1G>A

Gene: EYA1 (EYA transcriptional coactivator and phosphatase 1; minus strand). Cytogenetic location: 8q13.3.
Variant type: single nucleotide variant.
Coding change: c.202+1G>A on transcript NM_000503.6 (MANE Select); the canonical splice donor site of the intron after coding-DNA position 202, G replaced by A.
Molecular consequence: splice donor variant.
Genome position (GRCh38, 1-based): chr8:71,334,096, C>T on the plus strand (G>A on the coding strand, the complement: EYA1 is on the minus strand). VCF-style: chr8-71334096-C-T. GRCh37 (hg19) VCF-style: chr8-72246331-C-T.
Other names: c.289+1G>A (NM_001370336.1, NM_001370333.1, NM_172059.5); c.202+1G>A (NM_001370335.1, NM_001370334.1, NM_001288574.2 and 1 more transcripts); c.103+1G>A (NM_001411797.1, NM_172060.4); c.-83+1G>A (NM_001288575.2).
Identifiers: ClinVar variation 432487 (VCV000432487.2), dbSNP rs753245290, ClinGen allele CA4779864.